The following is an entry in ClinVar:

NM_144687.4(NLRP12):c.1022C>T (p.Thr341Ile)

Gene: NLRP12 (NLR family pyrin domain containing 12; minus strand). Cytogenetic location: 19q13.42.
Variant type: single nucleotide variant.
Coding change: c.1022C>T on transcript NM_144687.4 (MANE Select); coding-DNA position 1022, C replaced by T.
Protein change: p.Thr341Ile; replaces threonine 341 with isoleucine.
Molecular consequence: missense variant.
Genome position (GRCh38, 1-based): chr19:53,810,637, G>A on the plus strand (C>T on the coding strand, the complement: NLRP12 is on the minus strand). VCF-style: chr19-53810637-G-A. GRCh37 (hg19) VCF-style: chr19-54313891-G-A.
Other names: p.Thr341Ile; c.1022C>T, p.Thr341Ile (NM_001277126.2, NM_001277129.1); short protein forms T341I.
Identifiers: ClinVar variation 647864 (VCV000647864.51), dbSNP rs200996095, ClinGen allele CA9639542.

ClinVar aggregate classification (germline): Conflicting classifications of pathogenicity. Review status: criteria provided, conflicting classifications (1 of 4 stars). 7 submissions from 7 submitters: Uncertain significance (4); Benign (1); Likely benign (1). 1 of the submissions does not count toward it. Last evaluated 2026-09-01.

Conditions:
NLRP12-related disorder. Also called: NLRP12-related conditions; NLRP12-related condition.
Familial cold autoinflammatory syndrome 2 (FCAS2). Identifiers: Orphanet 247868, MedGen C2673198, MONDO:0012724, OMIM 611762.

Allele frequency attached by ClinVar (database versions not stated): ESP Exome Variant Server 0.00008; TOPMed 0.00015; gnomAD 0.00017 and 0.00019; ExAC 0.00019; gnomAD exomes 0.00021 and 0.00023.
gnomAD v4.1: 349 of 1,613,976 alleles (0.022%); highest among the groups gnomAD compares: Non-Finnish European, 0.028%; 1 homozygote.

Submissions (7):

CeGaT Center for Human Genetics Tuebingen
Classification: Likely benign. Last evaluated: 2026-09-01. Review status: criteria provided, single submitter. Criteria: CeGaT Center For Human Genetics Tuebingen Variant Classification Criteria Version 2. Collection method: clinical testing. Allele origin: germline. Affected: yes. Observed: 4 variant alleles.
Comment: NLRP12: BS1

Labcorp Genetics (formerly Invitae), Labcorp
Classification: Uncertain significance for Familial cold autoinflammatory syndrome 2. Last evaluated: 2025-12-13. Review status: criteria provided, single submitter. Criteria: Invitae Variant Classification Sherloc (09022015). Collection method: clinical testing. Allele origin: germline.
Comment: This sequence change replaces threonine, which is neutral and polar, with isoleucine, which is neutral and non-polar, at codon 341 of the NLRP12 protein (p.Thr341Ile). This variant is present in population databases (rs200996095, gnomAD 0.04%), including at least one homozygous and/or hemizygous individual. This variant has not been reported in the literature in individuals affected with NLRP12-related conditions. ClinVar contains an entry for this variant (Variation ID: 647864). Invitae Evidence Modeling of protein sequence and biophysical properties (such as structural, functional, and spatial information, amino acid conservation, physicochemical variation, residue mobility, and thermodynamic stability) indicates that this missense variant is expected to disrupt NLRP12 protein function with a positive predictive value of 80%. In summary, the available evidence is currently insufficient to determine the role of this variant in disease. Therefore, it has been classified as a Variant of Uncertain Significance.

Mayo Clinic Laboratories, Mayo Clinic
Classification: Uncertain significance. Last evaluated: 2025-07-15. Review status: criteria provided, single submitter. Criteria: ACMG Guidelines, 2015. Collection method: clinical testing. Allele origin: germline. Observed: 1 variant allele.
Comment: PP3_moderate

Women's Health and Genetics/Laboratory Corporation of America, LabCorp
Classification: Uncertain significance. Last evaluated: 2024-06-10. Review status: criteria provided, single submitter. Criteria: LabCorp Variant Classification Summary - May 2015. Collection method: clinical testing. Allele origin: germline.
Comment: Variant summary: NLRP12 c.1022C>T (p.Thr341Ile) results in a non-conservative amino acid change located in the DAPIN domain (IPR004020) of the encoded protein sequence. Five of five in-silico tools predict a damaging effect of the variant on protein function. The variant allele was found at a frequency of 0.00021 in 251192 control chromosomes, predominantly at a frequency of 0.00042 within the Non-Finnish European subpopulation in the gnomAD database, including 1 homozygotes. This frequency is not significantly higher than estimated for a pathogenic variant in NLRP12 causing Familial Cold Autoinflammatory Syndrome 2, allowing no conclusion about variant significance. To our knowledge, no occurrence of c.1022C>T in individuals affected with Familial Cold Autoinflammatory Syndrome 2 and no experimental evidence demonstrating its impact on protein function have been reported. ClinVar contains an entry for this variant (Variation ID: 647864). Based on the evidence outlined above, the variant was classified as uncertain significance.

ARUP Laboratories, Molecular Genetics and Genomics, ARUP Laboratories
Classification: Uncertain significance for Familial cold autoinflammatory syndrome 2. Last evaluated: 2022-11-23. Review status: criteria provided, single submitter. Criteria: ARUP Molecular Germline Variant Investigation Process 2021. Collection method: clinical testing. Allele origin: germline.
Comment: The NLRP12 c.1022C>T; p.Thr341Ile variant (rs200996095), to our knowledge, is not reported in the medical literature but is reported in ClinVar (Variation ID: 647864). This variant is found in the general population with an overall allele frequency of 0.02% (58/282590 alleles) in the Genome Aggregation Database. The threonine at codon 341 is highly conserved, and computational analyses predict that this variant is deleterious (REVEL: 0.902). Due to limited information, the clinical significance of this variant is uncertain at this time.

Illumina Laboratory Services, Illumina
Classification: Benign for Familial cold autoinflammatory syndrome 2. Last evaluated: 2018-01-12. Review status: criteria provided, single submitter. Criteria: ICSL Variant Classification Criteria 13 December 2019. Collection method: clinical testing. Allele origin: germline.
Comment: This variant was observed in the ICSL laboratory as part of a predisposition screen in an ostensibly healthy population. It had not been previously curated by ICSL or reported in the Human Gene Mutation Database (HGMD: prior to June 1st, 2018), and was therefore a candidate for classification through an automated scoring system. Utilizing variant allele frequency, disease prevalence and penetrance estimates, and inheritance mode, an automated score was calculated to assess if this variant is too frequent to cause the disease. Based on the score and internal cut-off values, a variant classified as benign is not then subjected to further curation. The score for this variant resulted in a classification of benign for this disease.

PreventionGenetics, part of Exact Sciences
Classification: Uncertain significance for NLRP12-related condition. Last evaluated: 2024-07-05. Review status: no assertion criteria provided. Collection method: clinical testing. Allele origin: germline. Not counted in ClinVar's aggregate classification.
Comment: The NLRP12 c.1022C>T variant is predicted to result in the amino acid substitution p.Thr341Ile. To our knowledge, this variant has not been reported in the literature. This variant is reported in 0.041% of alleles in individuals, including one homozygous individual, of European (Non-Finnish) descent in gnomAD. This variant has conflicting interpretations regarding its pathogenicity in ClinVar, ranging from uncertain to likely benign. Although we suspect that this variant may be benign, at this time, the clinical significance of this variant is uncertain due to the absence of conclusive functional and genetic evidence.

Literature cited by the submitters: PubMed 34786962 (cited by Mayo Clinic Laboratories, Mayo Clinic).